The following is an entry in ClinVar:

ClinVar aggregate classification (germline): Likely pathogenic (1 of 4 stars; one submission).

Conditions:
Hereditary cancer-predisposing syndrome. Also called: Hereditary Cancer Syndrome; Neoplastic Syndromes, Hereditary; Tumor predisposition; Hereditary neoplastic syndrome. Identifiers: Orphanet 140162, MedGen C0027672, MeSH D009386, MONDO:0015356.

Submission:

Ambry Genetics
Classification: Likely pathogenic for Hereditary cancer-predisposing syndrome. Last evaluated: 2016-07-27. Review status: criteria provided, single submitter. Criteria: Ambry Variant Classification Scheme 2023. Collection method: clinical testing. Allele origin: germline.
Comment: The c.1226-2A>C intronic variant results from an A to C substitution two nucleotides upstream from coding exon 11 in the MRE11A gene. This variant was not reported in population based cohorts in the following databases: Database of Single Nucleotide Polymorphisms (dbSNP), NHLBI Exome Sequencing Project (ESP), and 1000 Genomes Project. In the ESP, this variant was not observed in 6498 samples (12996 alleles) with coverage at this position. To date, this alteration has been detected with an allele frequency of approximately 0.001% (greater than 175,000 alleles tested) in our clinical cohort. This nucleotide position is well conserved in available vertebrate species. Using the BDGP and ESEfinder splice site prediction tools, this alteration is predicted to abolish the native splice acceptor site; however, direct evidence is unavailable. Alterations that disrupt the canonical splice site are expected to cause aberrant splicing, resulting in an abnormal protein or a transcript that is subject to nonsense-mediated mRNA decay. As such, this alteration is classified as likely pathogenic.

NM_005591.4(MRE11):c.1226-2A>C

Gene: MRE11 (MRE11 double strand break repair nuclease; minus strand). Cytogenetic location: 11q21.
Variant type: single nucleotide variant.
Coding change: c.1226-2A>C on transcript NM_005591.4 (MANE Select); the canonical splice acceptor site of the intron before coding-DNA position 1226, A replaced by C.
Molecular consequence: splice acceptor variant.
Genome position (GRCh38, 1-based): chr11:94,461,038, T>G on the plus strand (A>C on the coding strand, the complement: MRE11 is on the minus strand). VCF-style: chr11-94461038-T-G. GRCh37 (hg19) VCF-style: chr11-94194204-T-G.
Other names: c.1226-2A>C (NM_001330347.2, NM_005590.4).
Identifiers: ClinVar variation 479757 (VCV000479757.5), dbSNP rs1555009945, ClinGen allele CA382372506.